The following is an entry in ClinVar:

NM_001101426.4(CRPPA):c.836-16T>A

Gene: CRPPA (CDP-L-ribitol pyrophosphorylase A; minus strand). Cytogenetic location: 7p21.2.
Variant type: single nucleotide variant.
Coding change: c.836-16T>A on transcript NM_001101426.4 (MANE Select); 16 bases into the intron before coding-DNA position 836, T replaced by A.
Molecular consequence: intron variant.
Genome position (GRCh38, 1-based): chr7:16,278,242, A>T on the plus strand (T>A on the coding strand, the complement: CRPPA is on the minus strand). VCF-style: chr7-16278242-A-T. GRCh37 (hg19) VCF-style: chr7-16317867-A-T.
Other names: c.686-16T>A (NM_001101417.4); c.731-16T>A (NM_001368197.1).
Identifiers: ClinVar variation 2929946 (VCV002929946.4), dbSNP rs778515511, ClinGen allele CA4169474.

ClinVar aggregate classification (germline): Likely benign. Review status: criteria provided, multiple submitters, no conflicts (2 of 4 stars). 2 submissions from 2 submitters: Likely benign (2). Last evaluated 2025-06-19.

Conditions:
Autosomal recessive limb-girdle muscular dystrophy type 2U. Also called: Muscular dystrophy-dystroglycanopathy (limb-girdle), type c, 7; MUSCULAR DYSTROPHY, LIMB-GIRDLE, TYPE 2U. Identifiers: Orphanet 352479, MedGen C5190987, MONDO:0014474, OMIM 616052.
Muscular dystrophy-dystroglycanopathy (congenital with brain and eye anomalies), type A, 7. Also called: WALKER-WARBURG SYNDROME OR MUSCLE-EYE-BRAIN DISEASE, ISPD-RELATED; Congenital muscular dystrophy-dystroglycanopathy with brain and eye anomalies, type A7. Identifiers: Orphanet 899, MedGen C3553330, MONDO:0013835, OMIM 614643.

Allele frequency attached by ClinVar (database versions not stated): TOPMed 0.00002.
gnomAD v4.1: 2 of 1,388,184 alleles (0.00014%); highest among the groups gnomAD compares: Admixed American, 0.0045%; no homozygotes.

Submissions (2):

Women's Health and Genetics/Laboratory Corporation of America, LabCorp
Classification: Likely benign. Last evaluated: 2025-06-19. Review status: criteria provided, single submitter. Criteria: LabCorp Variant Classification Summary - May 2015. Collection method: clinical testing. Allele origin: germline.
Comment: Variant summary: CRPPA c.836-16T>A alters a nucleotide located at a position not widely known to affect splicing. Consensus agreement among computation tools predict no significant impact on normal splicing. However, these predictions have yet to be confirmed by functional studies. The variant allele was found at a frequency of 1e-05 in 193920 control chromosomes (gnomAD). The available data on variant occurrences in the general population are insufficient to allow any conclusion about variant significance. To our knowledge, no occurrence of c.836-16T>A in individuals affected with Muscular dystrophy-dystroglycanopathy (congenital with brain and eye anomalies), type a, 7 and no experimental evidence demonstrating its impact on protein function have been reported. ClinVar contains an entry for this variant (Variation ID: 2929946). Based on the evidence outlined above, the variant was classified as likely benign.

Labcorp Genetics (formerly Invitae), Labcorp
Classification: Likely benign for Muscular dystrophy-dystroglycanopathy (congenital with brain and eye anomalies), type A, 7; Autosomal recessive limb-girdle muscular dystrophy type 2U. Last evaluated: 2024-07-23. Review status: criteria provided, single submitter. Criteria: Invitae Variant Classification Sherloc (09022015). Collection method: clinical testing. Allele origin: germline.